The following is an entry in ClinVar:

ClinVar aggregate classification (germline): Conflicting classifications of pathogenicity. Review status: criteria provided, conflicting classifications (1 of 4 stars). 18 submissions from 17 submitters: Uncertain significance (3); Benign (2); Likely benign (8). 5 of the submissions do not count toward it. Last evaluated 2026-02-03.

Conditions:
BRCA2-related disorder. Also called: BRCA2-related condition; BRCA2-related disorders. Identifiers: MedGen CN239275.
Breast and/or ovarian cancer. Identifiers: MedGen CN221562.
Hereditary cancer-predisposing syndrome. Also called: Hereditary Cancer Syndrome; Neoplastic Syndromes, Hereditary; Hereditary neoplastic syndrome; Tumor predisposition. Identifiers: Orphanet 140162, MedGen C0027672, MeSH D009386, MONDO:0015356.
Hereditary breast ovarian cancer syndrome. Also called: Hereditary breast and ovarian cancer syndrome; Breast and ovarian cancer; BRCA1- and BRCA2-Associated Hereditary Breast and Ovarian Cancer; Hereditary breast and/or ovarian cancer syndrome; Hereditary breast and ovarian cancer; Hereditary breast and ovarian cancer syndrome (HBOC). Identifiers: Orphanet 145, MedGen C0677776, MeSH D061325, MONDO:0003582. Disease mechanism: loss of function.
Breast-ovarian cancer, familial, susceptibility to, 2 (BROVCA2). Also called: BRCA2 Hereditary Breast and Ovarian Cancer. Identifiers: Orphanet 145, MedGen C2675520, MONDO:0012933, OMIM 612555. Disease mechanism: loss of function.
Fanconi anemia complementation group D1. Also called: BRCA2-Related Fanconi Anemia. Identifiers: Orphanet 319462, MedGen C1838457, MONDO:0011584, OMIM 605724.

Allele frequency attached by ClinVar (database versions not stated): TOPMed 0.00008; ESP Exome Variant Server 0.00023.
gnomAD v4.1: 110 of 1,590,102 alleles (0.0069%); highest among the groups gnomAD compares: Non-Finnish European, 0.009%; 1 homozygote.

Submissions (18):

Labcorp Genetics (formerly Invitae), Labcorp
Classification: Likely benign for Hereditary breast ovarian cancer syndrome. Last evaluated: 2026-02-03. Review status: criteria provided, single submitter. Criteria: Invitae Variant Classification Sherloc (09022015). Collection method: clinical testing. Allele origin: germline.

Women's Health and Genetics/Laboratory Corporation of America, LabCorp
Classification: Likely benign. Last evaluated: 2026-01-28. Review status: criteria provided, single submitter. Criteria: LabCorp Variant Classification Summary - May 2015. Collection method: clinical testing. Allele origin: germline.
Comment: Variant summary: BRCA2 c.956A>G (p.Asn319Ser) results in a conservative amino acid change in the encoded protein sequence. Algorithms developed to predict the effect of missense changes on protein structure and function all suggest that this variant is likely to be tolerated. The variant allele was found at a frequency of 1.7e-05 in 229618 control chromosomes. The available data on variant occurrences in the general population are insufficient to allow any conclusion about variant significance. c.956A>G has been reported in individuals with pancreatic cancer (Grant_2015, Power_2021) and in at least one individual affected with unilateral breast cancer (Borg_2010, Capanu_2010) without strong evidence for causality. These reports do not provide unequivocal conclusions about association of the variant with Hereditary Breast And Ovarian Cancer Syndrome. A large scale multifactorial quantitative analysis to support clinical variant classification has rendered a likely benign outcome (Parsons_2019). One publication reports experimental evidence evaluating an impact on CDC25A mRNA expression, however, does not allow convincing conclusions about the variant effect (Biswas_2018). The following publications have been ascertained in the context of this evaluation (PMID: 29416040, 20104584, 21520273, 25479140, 28132688, 31131967, 32918181, 30212499, 11929857). ClinVar contains an entry for this variant (Variation ID: 52869). Based on the evidence outlined above, the variant was classified as likely benign.

Quest Diagnostics Nichols Institute San Juan Capistrano
Classification: Likely benign. Last evaluated: 2025-10-15. Review status: criteria provided, single submitter. Criteria: Quest Diagnostics criteria. Collection method: clinical testing. Allele origin: unknown.

PreventionGenetics, part of Exact Sciences
Classification: Likely benign for BRCA2-related condition. Last evaluated: 2024-12-03. Review status: criteria provided, single submitter. Criteria: ACMG Guidelines, 2015. Collection method: clinical testing. Allele origin: germline.
Comment: This variant is classified as likely benign based on ACMG/AMP sequence variant interpretation guidelines (Richards et al. 2015 PMID: 25741868, with internal and published modifications).

Blueprint Genetics
Classification: Likely benign. Last evaluated: 2024-09-06. Review status: criteria provided, single submitter. Criteria: ACMG Guidelines, 2015. Collection method: clinical testing. Allele origin: germline.

University of Washington Department of Laboratory Medicine, University of Washington
Classification: Likely benign for Hereditary cancer-predisposing syndrome. Last evaluated: 2023-03-23. Review status: criteria provided, single submitter. Criteria: Dines et al. (Genet Med. 2020). Collection method: curation. Allele origin: germline.
Comment: Missense variant in a coldspot region where missense variants are very unlikely to be pathogenic (PMID:31911673).

BRCA2 exon 10 coldspot. Reclassification based on statistical prior probability.

Sema4
Classification: Likely benign for Hereditary cancer-predisposing syndrome. Last evaluated: 2022-03-17. Review status: criteria provided, single submitter. Criteria: Sema4 Curation Guidelines. Collection method: curation. Allele origin: germline.

GeneDx
Classification: Likely benign. Last evaluated: 2021-01-15. Review status: criteria provided, single submitter. Criteria: GeneDx Variant Classification Process June 2021. Collection method: clinical testing. Allele origin: germline. Affected: yes.
Comment: This variant is associated with the following publications: (PMID: 10923033, 11929857, 20104584, 25479140, 21520273, 31131967)

Illumina Laboratory Services, Illumina
Classification: Uncertain significance for Fanconi anemia complementation group D1. Last evaluated: 2018-01-15. Review status: criteria provided, single submitter. Criteria: ICSL Variant Classification Criteria 13 December 2019. Collection method: clinical testing. Allele origin: germline.

Illumina Laboratory Services, Illumina
Classification: Uncertain significance for Breast-ovarian cancer, familial, susceptibility to, 2. Last evaluated: 2018-01-15. Review status: criteria provided, single submitter. Criteria: ICSL Variant Classification Criteria 13 December 2019. Collection method: clinical testing. Allele origin: germline.

Department of Pathology and Molecular Medicine, Queen's University
Classification: Uncertain significance. Last evaluated: 2017-04-20. Review status: criteria provided, single submitter. Criteria: ACMG Guidelines, 2015. Collection method: clinical testing. Allele origin: germline. Study: The Canadian Open Genetics Repository (COGR).

Color Diagnostics, LLC DBA Color Health
Classification: Benign for Hereditary cancer-predisposing syndrome. Last evaluated: 2016-01-05. Review status: criteria provided, single submitter. Criteria: ACMG Guidelines, 2015. Collection method: clinical testing. Allele origin: germline.

Ambry Genetics
Classification: Benign for Hereditary cancer-predisposing syndrome. Last evaluated: 2015-01-15. Review status: criteria provided, single submitter. Criteria: Ambry Variant Classification Scheme 2023. Collection method: clinical testing. Allele origin: germline.

Counsyl
Classification: Uncertain significance for Breast-ovarian cancer, familial, susceptibility to, 2. Last evaluated: 2015-11-24. Review status: no assertion criteria provided. Collection method: clinical testing. Allele origin: unknown. Not counted in ClinVar's aggregate classification.

Foulkes Cancer Genetics LDI, Lady Davis Institute for Medical Research
Classification: Uncertain significance for Breast and/or ovarian cancer. Last evaluated: 2012-10-18. Review status: no assertion criteria provided. Collection method: clinical testing. Allele origin: germline. Study: The Canadian Open Genetics Repository (COGR). Not counted in ClinVar's aggregate classification.

Sharing Clinical Reports Project (SCRP)
Classification: Likely benign for Breast-ovarian cancer, familial 2. Last evaluated: 2009-02-13. Review status: no assertion criteria provided. Collection method: clinical testing. Allele origin: germline. Not counted in ClinVar's aggregate classification.

Breast Cancer Information Core (BIC) (BRCA2)
Classification: Uncertain significance for Breast-ovarian cancer, familial 2. Last evaluated: 2004-02-20. Review status: no assertion criteria provided. Collection method: clinical testing. Allele origin: germline. Affected: yes. Observed: 10 variant alleles. Not counted in ClinVar's aggregate classification.

Department of Pathology and Laboratory Medicine, Sinai Health System
Classification: Uncertain significance. Review status: no assertion criteria provided. Collection method: clinical testing. Allele origin: unknown. Affected: yes. Observed: 2 variant alleles. Study: The Canadian Open Genetics Repository (COGR). Not counted in ClinVar's aggregate classification.
Comment: The p.Asn319Ser variant has been previously observed in our laboratory, and has been reported in the literature in 2/8412 proband chromosomes of individuals with breast cancer and in 3/8586 control chromosomes tested (Borg 2010, Warren 2002, Capanu_2011_). It is listed in the dbSNP database as coming from a "clinical source" (ID#:rs55939572), but no frequency information was provided, and so the prevalence of this variant in the population is not known. It has been observed in the BIC (x9) and Exome Variant Server databases. The p.Asn319 residue is conserved in mammals, and the variant Serine (Ser) is present in the chicken at this position, increasing the likelihood that an alteration to this residue may not have functional significance. Computational analyses (PolyPhen, SIFT, AlignGVGD) do not predict any effect on the protein function, though this information is not very predictive of pathogenicity. In summary, based on the above information the clinical significance of this variant cannot be determined at this time. Therefore this variant is a variant of unknown significance.

Literature cited by the submitters: PubMed 20104584 (cited by 4 submitters); PubMed 21520273 (cited by 4 submitters); PubMed 11929857 (cited by 3 submitters); PubMed 25479140 (cited by 3 submitters); PubMed 30212499 (cited by Women's Health and Genetics/Laboratory Corporation of America, LabCorp and Quest Diagnostics Nichols Institute San Juan Capistrano); PubMed 31131967 (cited by 3 submitters); PubMed 28132688 (cited by Women's Health and Genetics/Laboratory Corporation of America, LabCorp); PubMed 29416040 (cited by Women's Health and Genetics/Laboratory Corporation of America, LabCorp); PubMed 32918181 (cited by Women's Health and Genetics/Laboratory Corporation of America, LabCorp and Quest Diagnostics Nichols Institute San Juan Capistrano); PubMed 33471991 (cited by Quest Diagnostics Nichols Institute San Juan Capistrano and Sema4); PubMed 32885271 (cited by Quest Diagnostics Nichols Institute San Juan Capistrano and Sema4); PubMed 31911673 (cited by Quest Diagnostics Nichols Institute San Juan Capistrano); PubMed 34326862 (cited by Quest Diagnostics Nichols Institute San Juan Capistrano).

NM_000059.4(BRCA2):c.956A>G (p.Asn319Ser)

Gene: BRCA2 (BRCA2 DNA repair associated; plus strand). Cytogenetic location: 13q13.1.
Variant type: single nucleotide variant.
Coding change: c.956A>G on transcript NM_000059.4 (MANE Select); coding-DNA position 956, A replaced by G.
Protein change: p.Asn319Ser; replaces asparagine 319 with serine.
Molecular consequence: missense variant.
Genome position (GRCh38, 1-based): chr13:32,332,434, A>G. VCF-style: chr13-32332434-A-G. GRCh37 (hg19) VCF-style: chr13-32906571-A-G.
Other names: p.N319S:AAT>AGT; 1184A>G; short protein forms N319S.
Identifiers: ClinVar variation 52869 (VCV000052869.40), dbSNP rs55939572, ClinGen allele CA026215.